The following is an entry in ClinVar:

ClinVar aggregate classification (germline): Pathogenic. Review status: criteria provided, multiple submitters, no conflicts (2 of 4 stars). 5 submissions from 5 submitters: Pathogenic (3). 2 of the submissions do not count toward it. Last evaluated 2025-11-19.

Conditions:
PKD1-related disorder. Also called: PKD1-related condition.
Polycystic kidney disease. Also called: Kidney, Polycystic; Polycystic kidney dysplasia. Identifiers: MedGen C0022680, MeSH D007690, MONDO:0020642, HP:0000113.
Polycystic kidney disease, adult type (PKD1). Also called: Polycystic Kidney, Autosomal Dominant; Polycystic Kidney Disease 1, Autosomal Dominant; Polycystic kidney disease 1; Polycystic kidney disease 1, severe; POLYCYSTIC KIDNEY DISEASE, ADULT, TYPE I; POLYCYSTIC KIDNEY DISEASE 1 WITH OR WITHOUT POLYCYSTIC LIVER DISEASE. Identifiers: MedGen C3149841, MONDO:0008263, OMIM 173900.

Submissions (5):

Women's Health and Genetics/Laboratory Corporation of America, LabCorp
Classification: Pathogenic for Polycystic kidney disease, adult type. Last evaluated: 2025-11-19. Review status: criteria provided, single submitter. Criteria: LabCorp Variant Classification Summary - May 2015. Collection method: clinical testing. Allele origin: germline.
Comment: Variant summary: PKD1 c.5086C>T (p.Gln1696X) results in a premature termination codon, predicted to cause absence of the protein due to nonsense mediated decay, which is a commonly known mechanism for disease. The variant was absent in 243904 control chromosomes (gnomAD). c.5086C>T has been observed in individuals affected with Polycystic Kidney Disease 1 (e.g., Wang_2020). These data indicate that the variant is likely to be associated with disease. The following publication has been ascertained in the context of this evaluation (PMID: 33437386). ClinVar contains an entry for this variant (Variation ID: 373937). Based on the evidence outlined above, the variant was classified as pathogenic.

Blueprint Genetics
Classification: Pathogenic for PKD1-related disorders. Last evaluated: 2024-06-18. Review status: criteria provided, single submitter. Criteria: ACMG Guidelines, 2015. Collection method: clinical testing. Allele origin: germline. Affected: yes. Observed: 4 variant alleles.

Fulgent Genetics
Classification: Pathogenic for Polycystic kidney disease, adult type. Last evaluated: 2021-06-30. Review status: criteria provided, single submitter. Criteria: ACMG Guidelines, 2015. Collection method: clinical testing. Allele origin: unknown.
Comment: This variant has been detected in individual(s) who were sent for testing of Renasight - kidney gene panel.

Centre for Mendelian Genomics, University Medical Centre Ljubljana
Classification: Pathogenic for Polycystic kidney disease. Last evaluated: 2016-06-08. Review status: no assertion criteria provided. Collection method: clinical testing. Allele origin: unknown. Affected: yes. Not counted in ClinVar's aggregate classification.

Department of Pathology and Laboratory Medicine, Sinai Health System
Classification: Pathogenic for Polycystic Kidney disease. Review status: no assertion criteria provided. Collection method: clinical testing. Allele origin: unknown. Affected: yes. Study: The Canadian Open Genetics Repository (COGR). Not counted in ClinVar's aggregate classification.
Comment: The PKD1 p.Gln1696* variant was identified in 5 of 2244 proband chromosomes (frequency: 0.002) from individuals or families with ADPKD (Audrezet 2012, Hwang 2016, Rossetti 2007). The variant was also identified in dbSNP (ID: rs1057518783) as "With Pathogenic allele", ClinVar (classified as pathogenic by one clinical laboratory), and in ADPKD Mutation Database (as definitely pathogenic). The variant was not identified in COGR, LOVD 3.0, PKD1-LOVD, the 1000 Genomes Project, the NHLBI GO Exome Sequencing Project, the Exome Aggregation Consortium (August 8th 2016), or the Genome Aggregation Database (Feb 27, 2017). The variant occurs outside of the splicing consensus sequence and 1 of 4 in silico or computational prediction software programs (SpliceSiteFinder, MaxEntScan, NNSPLICE, GeneSplicer) predict a greater than 10% difference in splicing; this is not very predictive of pathogenicity. In summary, based on the above information this variant meets our laboratoryâ€šÃ„Ã´s criteria to be classified as pathogenic.

Literature cited by the submitters: PubMed 33437386 (cited by Women's Health and Genetics/Laboratory Corporation of America, LabCorp).

NM_001009944.3(PKD1):c.5086C>T (p.Gln1696Ter)

Gene: PKD1 (polycystin 1, transient receptor potential channel interacting; minus strand). Cytogenetic location: 16p13.3.
Variant type: single nucleotide variant.
Coding change: c.5086C>T on transcript NM_001009944.3 (MANE Select); coding-DNA position 5086, C replaced by T.
Protein change: p.Gln1696Ter; replaces glutamine 1696 with a stop codon.
Molecular consequence: nonsense.
Genome position (GRCh38, 1-based): chr16:2,110,081, G>A on the plus strand (C>T on the coding strand, the complement: PKD1 is on the minus strand). VCF-style: chr16-2110081-G-A. GRCh37 (hg19) VCF-style: chr16-2160082-G-A.
Other names: c.5086C>T, p.Gln1696Ter (NM_000296.4); short protein forms Q1696*.
Identifiers: ClinVar variation 373937 (VCV000373937.8), dbSNP rs1057518783, ClinGen allele CA16043506.